The following is an entry in ClinVar:

ClinVar aggregate classification (germline): Uncertain significance (1 of 4 stars; one submission).

Conditions:
Baraitser-Winter syndrome 1 (BRWS1). Also called: BARAITSER-WINTER SYNDROME 1, ATYPICAL; PACHYGYRIA, MENTAL RETARDATION, EPILEPSY, AND CHARACTERISTIC FACIES; MENTAL RETARDATION WITH EPILEPSY AND CHARACTERISTIC FACIES; Cerebrofrontofacial syndrome. Identifiers: Orphanet 2649, Orphanet 2995, MedGen C1855722, MONDO:0009470, OMIM 243310.

Allele frequency attached by ClinVar (database versions not stated): gnomAD exomes below 0.00001.
gnomAD v4.1: 3 of 1,611,652 alleles (0.00019%); highest among the groups gnomAD compares: African/African-American, 0.0027%; no homozygotes.

Submission:

Labcorp Genetics (formerly Invitae), Labcorp
Classification: Uncertain significance for Baraitser-Winter syndrome 1. Last evaluated: 2022-10-17. Review status: criteria provided, single submitter. Criteria: Invitae Variant Classification Sherloc (09022015). Collection method: clinical testing. Allele origin: germline.
Comment: In summary, the available evidence is currently insufficient to determine the role of this variant in disease. Therefore, it has been classified as a Variant of Uncertain Significance. Variants that disrupt the consensus splice site are a relatively common cause of aberrant splicing (PMID: 17576681, 9536098). Algorithms developed to predict the effect of sequence changes on RNA splicing suggest that this variant is not likely to affect RNA splicing. This variant has not been reported in the literature in individuals affected with ACTB-related conditions. This variant is not present in population databases (gnomAD no frequency). This sequence change falls in intron 2 of the ACTB gene. It does not directly change the encoded amino acid sequence of the ACTB protein. It affects a nucleotide within the consensus splice site.

Literature cited by the submitters: PubMed 17576681; PubMed 9536098.

NM_001101.5(ACTB):c.123+4G>A

Gene: ACTB (actin beta; minus strand). Cytogenetic location: 7p22.1.
Variant type: single nucleotide variant.
Coding change: c.123+4G>A on transcript NM_001101.5 (MANE Select); 4 bases into the intron after coding-DNA position 123, G replaced by A.
Molecular consequence: intron variant.
Genome position (GRCh38, 1-based): chr7:5,529,531, C>T on the plus strand (G>A on the coding strand, the complement: ACTB is on the minus strand). VCF-style: chr7-5529531-C-T. GRCh37 (hg19) VCF-style: chr7-5569162-C-T.
Identifiers: ClinVar variation 2183313 (VCV002183313.4), dbSNP rs376031007, ClinGen allele CA153195702.
Genomic context (GRCh38, chr7:5,529,531, plus strand): 5'-GCAGAGAAAGCGCCCTTGCCTCCCGCCCGCTCCCGGGGCTGCCCCACCCAGCCAGCTCCC[C>T]TACCTGGTGCCTGGGGCGCCCCACGATGGAGGGGAAGACGGCCCGGGGGGCATCGTCGCC-3'